The following is an entry in ClinVar:

ClinVar aggregate classification (germline): Conflicting classifications of pathogenicity. Review status: criteria provided, conflicting classifications (1 of 4 stars). 3 submissions from 3 submitters: Uncertain significance (1); Likely benign (2). Last evaluated 2025-02-18.

Conditions:
SYNE4-related disorder. Also called: SYNE4-related condition.

Allele frequency attached by ClinVar (database versions not stated): gnomAD below 0.00001 and 0.00005; TOPMed 0.00001; gnomAD exomes 0.00011 and 0.00023; ExAC 0.00024.
gnomAD v4.1: 166 of 1,613,144 alleles (0.01%); highest among the groups gnomAD compares: South Asian, 0.17%; 2 homozygotes.

Submissions (3):

PreventionGenetics, part of Exact Sciences
Classification: Likely benign for SYNE4-related condition. Last evaluated: 2025-02-18. Review status: criteria provided, single submitter. Criteria: ACMG Guidelines, 2015. Collection method: clinical testing. Allele origin: germline.
Comment: This variant is classified as likely benign based on ACMG/AMP sequence variant interpretation guidelines (Richards et al. 2015 PMID: 25741868, with internal and published modifications).

GeneDx
Classification: Likely benign. Last evaluated: 2020-09-04. Review status: criteria provided, single submitter. Criteria: GeneDx Variant Classification Process June 2021. Collection method: clinical testing. Allele origin: germline. Affected: yes.

Laboratory for Molecular Medicine, Mass General Brigham Personalized Medicine
Classification: Uncertain significance. Last evaluated: 2016-02-18. Review status: criteria provided, single submitter. Criteria: LMM Criteria. Collection method: clinical testing. Allele origin: germline. Observed: 1 variant allele.
Comment: Variant classified as Uncertain Significance - Favor Benign. The p.Asn342Ser var iant in SYNE4 has not been previously reported in individuals with hearing loss. This variant has been identified in 0.2% (24/13354) of South Asian chromosomes by the Exome Aggregation Consortium (ExAC; dbSNP rs200948076). Computational prediction tools and conservation analyses suggest that the p.Asn342Ser variant may not impact the protein, though this information is not predictive enough to rule out pathogenicity. In summary, while the clini cal significance of the p.Asn342Ser variant is uncertain, its frequency in the g eneral population suggests that it is more likely to be benign.

NM_001039876.3(SYNE4):c.1025A>G (p.Asn342Ser)

Gene: SYNE4 (spectrin repeat containing nuclear envelope family member 4; minus strand). Cytogenetic location: 19q13.12.
Variant type: single nucleotide variant.
Coding change: c.1025A>G on transcript NM_001039876.3 (MANE Select); coding-DNA position 1025, A replaced by G.
Protein change: p.Asn342Ser; replaces asparagine 342 with serine.
Molecular consequence: missense variant.
Genome position (GRCh38, 1-based): chr19:36,003,619, T>C on the plus strand (A>G on the coding strand, the complement: SYNE4 is on the minus strand). VCF-style: chr19-36003619-T-C. GRCh37 (hg19) VCF-style: chr19-36494521-T-C.
Other names: c.686A>G, p.Asn229Ser (NM_001297735.3); short protein forms N342S, N229S.
Identifiers: ClinVar variation 229282 (VCV000229282.7), dbSNP rs200948076, ClinGen allele CA9393772.